The following is an entry in ClinVar:

NM_001083603.3(PTCH1):c.86G>A (p.Gly29Asp)

Gene: PTCH1 (patched 1; minus strand). Cytogenetic location: 9q22.32.
Variant type: single nucleotide variant.
Coding change: c.86G>A on transcript NM_001083603.3 (MANE Plus Clinical); coding-DNA position 86, G replaced by A.
Protein change: p.Gly29Asp; replaces glycine 29 with aspartic acid.
Molecular consequence: missense variant. On other transcripts: 5 prime UTR variant (2).
Genome position (GRCh38, 1-based): chr9:95,516,735, C>T on the plus strand (G>A on the coding strand, the complement: PTCH1 is on the minus strand). VCF-style: chr9-95516735-C-T. GRCh37 (hg19) VCF-style: chr9-98279017-C-T.
Other names: c.-264G>A (NM_001083602.3, NM_001354919.2); short protein forms G29D.
Identifiers: ClinVar variation 4995117 (VCV004995117.1).

ClinVar aggregate classification (germline): Uncertain significance (1 of 4 stars; one submission).

Conditions:
PTCH1-related disorder. Also called: PTCH1-related disorders; PTCH1-related condition.

gnomAD v4.1: 2 of 1,611,530 alleles (0.00012%); highest among the groups gnomAD compares: Non-Finnish European, 0.00017%; no homozygotes.

Submission:

PreventionGenetics, part of Exact Sciences
Classification: Uncertain significance for PTCH1-related condition. Last evaluated: 2026-07-25. Review status: criteria provided, single submitter. Criteria: ACMG Guidelines, 2015. Collection method: clinical testing. Allele origin: germline.
Comment: The PTCH1 c.86G>A variant is predicted to result in the amino acid substitution p.Gly29Asp. To our knowledge, this variant has not been reported in the literature or in a large population database (gnomAD), indicating this variant is rare. At this time, the clinical significance of this variant is uncertain due to the absence of conclusive functional and genetic evidence.